The following is an entry in ClinVar:

NM_001005273.3(CHD3):c.1919+4A>G

Gene: CHD3 (chromodomain helicase DNA binding protein 3; plus strand). Cytogenetic location: 17p13.1.
Variant type: single nucleotide variant.
Coding change: c.1919+4A>G on transcript NM_001005273.3 (MANE Select); 4 bases into the intron after coding-DNA position 1919, A replaced by G.
Molecular consequence: intron variant.
Genome position (GRCh38, 1-based): chr17:7,897,298, A>G. VCF-style: chr17-7897298-A-G. GRCh37 (hg19) VCF-style: chr17-7800616-A-G.
Other names: c.2096+4A>G (NM_001005271.3); c.1919+4A>G (NM_005852.4).
Identifiers: ClinVar variation 1299342 (VCV001299342.1), dbSNP rs2151542577, ClinGen allele CA2499224986.

ClinVar aggregate classification (germline): Uncertain significance (1 of 4 stars; one submission).

Conditions:
Snijders Blok-Campeau syndrome. Also called: INTELLECTUAL DEVELOPMENTAL DISORDER WITH MACROCEPHALY, SPEECH DELAY, AND DYSMORPHIC FACIES. Identifiers: Orphanet 599082, MedGen C4748701, MONDO:0032600, OMIM 618205.

Submission:

Institute of Human Genetics, University of Leipzig Medical Center
Classification: Uncertain significance for Snijders Blok-Campeau syndrome. Last evaluated: 2021-10-01. Review status: criteria provided, single submitter. Criteria: ACMG Guidelines, 2015. Collection method: clinical testing. Allele origin: maternal. Affected: yes.
Comment: _x000D_ Criteria applied: PM4, PM2_SUP, PP3